The following is an entry in ClinVar:

ClinVar aggregate classification (germline): Uncertain significance (1 of 4 stars; one submission).

Allele frequency attached by ClinVar (database versions not stated): ExAC 0.00003; gnomAD 0.00003; gnomAD exomes 0.00003; TOPMed 0.00003.
gnomAD v4.1: 47 of 1,614,088 alleles (0.0029%); highest among the groups gnomAD compares: South Asian, 0.03%; no homozygotes.

Submission:

Labcorp Genetics (formerly Invitae), Labcorp
Classification: Uncertain significance. Last evaluated: 2025-07-08. Review status: criteria provided, single submitter. Criteria: Invitae Variant Classification Sherloc (09022015). Collection method: clinical testing. Allele origin: germline.
Comment: This sequence change replaces glycine, which is neutral and non-polar, with tryptophan, which is neutral and slightly polar, at codon 152 of the GH1 protein (p.Gly152Trp). This variant is present in population databases (rs753431488, gnomAD 0.04%). This variant has not been reported in the literature in individuals affected with GH1-related conditions. ClinVar contains an entry for this variant (Variation ID: 1987515). An algorithm developed to predict the effect of missense changes on protein structure and function (PolyPhen-2) suggests that this variant is likely to be tolerated. Algorithms developed to predict the effect of sequence changes on RNA splicing suggest that this variant may create or strengthen a splice site. In summary, the available evidence is currently insufficient to determine the role of this variant in disease. Therefore, it has been classified as a Variant of Uncertain Significance.

NM_000515.5(GH1):c.454G>T (p.Gly152Trp)

Genes: GH-LCR (growth hormone locus control region; plus strand), GH1 (growth hormone 1; minus strand). Cytogenetic location: 17q23.3.
Variant type: single nucleotide variant.
Coding change: c.454G>T on transcript NM_000515.5 (MANE Select); coding-DNA position 454, G replaced by T.
Protein change: p.Gly152Trp; replaces glycine 152 with tryptophan.
Molecular consequence: missense variant.
Genome position (GRCh38, 1-based): chr17:63,917,762, C>A on the plus strand (G>T on the coding strand, the complement: GH1 is on the minus strand). VCF-style: chr17-63917762-C-A. GRCh37 (hg19) VCF-style: chr17-61995122-C-A.
Other names: c.409G>T, p.Gly137Trp (NM_022559.4); c.334G>T, p.Gly112Trp (NM_022560.4); short protein forms G137W, G112W, G152W.
Identifiers: ClinVar variation 1987515 (VCV001987515.4), dbSNP rs753431488, ClinGen allele CA8708186.